The following is an entry in ClinVar:

ClinVar aggregate classification (germline): Uncertain significance (1 of 4 stars; one submission).

Conditions:
Cardiovascular phenotype. Identifiers: MedGen CN230736.

Submission:

Ambry Genetics
Classification: Uncertain significance for Cardiovascular phenotype. Last evaluated: 2026-02-19. Review status: criteria provided, single submitter. Criteria: Ambry Variant Classification Scheme 2023. Collection method: clinical testing. Allele origin: germline.
Comment: The p.L34Q variant (also known as c.101T>A), located in coding exon 2 of the MAP2K2 gene, results from a T to A substitution at nucleotide position 101. The leucine at codon 34 is replaced by glutamine, an amino acid with dissimilar properties. This amino acid position is conserved. In addition, this alteration is predicted to be deleterious by in silico analysis. Based on the available evidence, the clinical significance of this variant remains unclear.

NM_030662.4(MAP2K2):c.101T>A (p.Leu34Gln)

Gene: MAP2K2 (mitogen-activated protein kinase kinase 2; minus strand). Cytogenetic location: 19p13.3.
Variant type: single nucleotide variant.
Coding change: c.101T>A on transcript NM_030662.4 (MANE Select); coding-DNA position 101, T replaced by A.
Protein change: p.Leu34Gln; replaces leucine 34 with glutamine.
Molecular consequence: missense variant.
Genome position (GRCh38, 1-based): chr19:4,117,621, A>T on the plus strand (T>A on the coding strand, the complement: MAP2K2 is on the minus strand). VCF-style: chr19-4117621-A-T. GRCh37 (hg19) VCF-style: chr19-4117619-A-T.
Other names: c.101T>A, p.Leu34Gln (NM_001440688.1); short protein forms L34Q.
Identifiers: ClinVar variation 4824181 (VCV004824181.1).
Genomic context (GRCh38, chr19:4,117,621, plus strand): 5'-AGCCGCTTCTTCTGCTGCTCGTCAAGTTCCAGCTCCTCCAGCTTCTTCTGCAGGTCCACC[A>T]GGTTTGCCCTGCAGAGACCCCCCAGGGTAGGGGTTAGCTACCTAGGGAGACTCCATCTGG-3'
Protein context (NP_109587.1, residues 24-44): PTSEGASEAN[Leu34Gln]VDLQKKLEEL